The following is an entry in ClinVar:

NM_001366385.1(CARD14):c.2126T>C (p.Met709Thr)

Genes: CARD14 (caspase recruitment domain family member 14; plus strand), SGSH (N-sulfoglucosamine sulfohydrolase; minus strand). Cytogenetic location: 17q25.3.
Variant type: single nucleotide variant.
Coding change: c.2126T>C on transcript NM_001366385.1 (MANE Select); coding-DNA position 2126, T replaced by C.
Protein change: p.Met709Thr; replaces methionine 709 with threonine.
Molecular consequence: missense variant. On other transcripts: non-coding transcript variant (1).
Genome position (GRCh38, 1-based): chr17:80,202,327, T>C. VCF-style: chr17-80202327-T-C. GRCh37 (hg19) VCF-style: chr17-78176126-T-C.
Other names: c.2126T>C, p.Met709Thr (NM_001257970.1, NM_024110.4); c.2126T>C (NM_024110.3); short protein forms M709T.
Identifiers: ClinVar variation 2936327 (VCV002936327.4), dbSNP rs1488565847, ClinGen allele CA401353775.
Genomic context (GRCh38, chr17:80,202,327, plus strand): 5'-GCAGGGCCAAAGGGGAGCTGCAGGTGCATTGCAACGAGGTCCTGCACGTCACCGACACCA[T>C]GTTCCAGGGCTGCGGCTGCTGGCATGCCCACCGCGTGAACTCTTACACCATGAAGGATAC-3'
Protein context (NP_001353314.1, residues 699-719): CNEVLHVTDT[Met709Thr]FQGCGCWHAH

ClinVar aggregate classification (germline): Uncertain significance. Review status: criteria provided, multiple submitters, no conflicts (2 of 4 stars). 2 submissions from 2 submitters: Uncertain significance (2). Last evaluated 2025-01-20.

Conditions:
Inborn genetic diseases. Identifiers: MedGen C0950123, MeSH D030342.
Psoriasis 2. Identifiers: MedGen C1864497, MONDO:0011269, OMIM 602723.
Pityriasis rubra pilaris (PRP). Also called: Pityriasis rubra pilaris--familial type. Identifiers: Orphanet 2897, MedGen C0032027, MONDO:0100017, OMIM 173200, MONDO:0008251.

Allele frequency attached by ClinVar (database versions not stated): gnomAD exomes 0.00001.
gnomAD v4.1: 9 of 1,613,602 alleles (0.00056%); highest among the groups gnomAD compares: South Asian, 0.0033%; no homozygotes.

Submissions (2):

Labcorp Genetics (formerly Invitae), Labcorp
Classification: Uncertain significance for Pityriasis rubra pilaris; Psoriasis 2. Last evaluated: 2025-01-20. Review status: criteria provided, single submitter. Criteria: Invitae Variant Classification Sherloc (09022015). Collection method: clinical testing. Allele origin: germline.
Comment: This sequence change replaces methionine, which is neutral and non-polar, with threonine, which is neutral and polar, at codon 709 of the CARD14 protein (p.Met709Thr). This variant is present in population databases (no rsID available, gnomAD 0.003%). This variant has not been reported in the literature in individuals affected with CARD14-related conditions. ClinVar contains an entry for this variant (Variation ID: 2936327). Invitae Evidence Modeling of protein sequence and biophysical properties (such as structural, functional, and spatial information, amino acid conservation, physicochemical variation, residue mobility, and thermodynamic stability) indicates that this missense variant is not expected to disrupt CARD14 protein function with a negative predictive value of 95%. In summary, the available evidence is currently insufficient to determine the role of this variant in disease. Therefore, it has been classified as a Variant of Uncertain Significance.

Ambry Genetics
Classification: Uncertain significance for Inborn genetic diseases. Last evaluated: 2024-09-02. Review status: criteria provided, single submitter. Criteria: Ambry Variant Classification Scheme 2023. Collection method: clinical testing. Allele origin: germline.